The following is an entry in ClinVar:

ClinVar aggregate classification (germline): Conflicting classifications of pathogenicity. Review status: criteria provided, conflicting classifications (1 of 4 stars). 3 submissions from 3 submitters: Uncertain significance (2); Likely benign (1). Last evaluated 2023-10-16.

Conditions:
Hereditary cancer-predisposing syndrome. Also called: Neoplastic Syndromes, Hereditary; Hereditary Cancer Syndrome; Tumor predisposition; Hereditary neoplastic syndrome. Identifiers: Orphanet 140162, MedGen C0027672, MeSH D009386, MONDO:0015356.
Hereditary breast ovarian cancer syndrome. Also called: Hereditary breast and ovarian cancer syndrome (HBOC); Hereditary breast and ovarian cancer; Breast and ovarian cancer; BRCA1- and BRCA2-Associated Hereditary Breast and Ovarian Cancer; Hereditary breast and ovarian cancer syndrome; Hereditary breast and/or ovarian cancer syndrome. Identifiers: Orphanet 145, MedGen C0677776, MeSH D061325, MONDO:0003582. Disease mechanism: loss of function.

Submissions (3):

Ambry Genetics
Classification: Uncertain significance for Hereditary cancer-predisposing syndrome. Last evaluated: 2023-10-16. Review status: criteria provided, single submitter. Criteria: Ambry Variant Classification Scheme 2023. Collection method: clinical testing. Allele origin: germline.
Comment: The p.G1761R variant (also known as c.5281G>A), located in coding exon 10 of the BRCA2 gene, results from a G to A substitution at nucleotide position 5281. The glycine at codon 1761 is replaced by arginine, an amino acid with dissimilar properties. This amino acid position is poorly conserved in available vertebrate species. In addition, this alteration is predicted to be tolerated by in silico analysis. Since supporting evidence is limited at this time, the clinical significance of this alteration remains unclear.

University of Washington Department of Laboratory Medicine, University of Washington
Classification: Likely benign for Hereditary cancer-predisposing syndrome. Last evaluated: 2023-03-23. Review status: criteria provided, single submitter. Criteria: Dines et al. (Genet Med. 2020). Collection method: curation. Allele origin: germline.
Comment: Missense variant in a coldspot region where missense variants are very unlikely to be pathogenic (PMID:31911673).

BRCA2 exon 11 coldspot. Reclassification based on statistical prior probability.

Labcorp Genetics (formerly Invitae), Labcorp
Classification: Uncertain significance for Hereditary breast ovarian cancer syndrome. Last evaluated: 2022-07-13. Review status: criteria provided, single submitter. Criteria: Invitae Variant Classification Sherloc (09022015). Collection method: clinical testing. Allele origin: germline.
Comment: ClinVar contains an entry for this variant (Variation ID: 945803). Advanced modeling of protein sequence and biophysical properties (such as structural, functional, and spatial information, amino acid conservation, physicochemical variation, residue mobility, and thermodynamic stability) performed at Invitae indicates that this missense variant is not expected to disrupt BRCA2 protein function. In summary, the available evidence is currently insufficient to determine the role of this variant in disease. Therefore, it has been classified as a Variant of Uncertain Significance. This variant has not been reported in the literature in individuals affected with BRCA2-related conditions. This sequence change replaces glycine, which is neutral and non-polar, with arginine, which is basic and polar, at codon 1761 of the BRCA2 protein (p.Gly1761Arg). This variant is not present in population databases (gnomAD no frequency).

NM_000059.4(BRCA2):c.5281G>A (p.Gly1761Arg)

Gene: BRCA2 (BRCA2 DNA repair associated; plus strand). Cytogenetic location: 13q13.1.
Variant type: single nucleotide variant.
Coding change: c.5281G>A on transcript NM_000059.4 (MANE Select); coding-DNA position 5281, G replaced by A.
Protein change: p.Gly1761Arg; replaces glycine 1761 with arginine.
Molecular consequence: missense variant.
Genome position (GRCh38, 1-based): chr13:32,339,636, G>A. VCF-style: chr13-32339636-G-A. GRCh37 (hg19) VCF-style: chr13-32913773-G-A.
Other names: short protein forms G1761R.
Identifiers: ClinVar variation 945803 (VCV000945803.13), dbSNP rs886038122, ClinGen allele CA387784764.
Genomic context (GRCh38, chr13:32,339,636, plus strand): 5'-AGTAACAGTAGCATGTCTAACAGCTATTCCTACCATTCTGATGAGGTATATAATGATTCA[G>A]GATATCTCTCAAAAAATAAACTTGATTCTGGTATTGAGCCAGTATTGAAGAATGTTGAAG-3'
Protein context (NP_000050.3, residues 1751-1771): YHSDEVYNDS[Gly1761Arg]YLSKNKLDSG